The following is an entry in ClinVar:

ClinVar aggregate classification (germline): Uncertain significance (1 of 4 stars; one submission).

Submission:

Ambry Genetics
Classification: Uncertain significance. Last evaluated: 2025-07-20. Review status: criteria provided, single submitter. Criteria: Ambry Variant Classification Scheme 2023. Collection method: clinical testing. Allele origin: germline.
Comment: The p.A821P variant (also known as c.2461G>C), located in coding exon 1 of the MLH3 gene, results from a G to C substitution at nucleotide position 2461. The alanine at codon 821 is replaced by proline, an amino acid with highly similar properties. This amino acid position is conserved. In addition, this alteration is predicted to be tolerated by in silico analysis. Based on the available evidence, the clinical significance of this variant remains unclear.

NM_001040108.2(MLH3):c.2461G>C (p.Ala821Pro)

Gene: MLH3 (mutL homolog 3; minus strand). Cytogenetic location: 14q24.3.
Variant type: single nucleotide variant.
Coding change: c.2461G>C on transcript NM_001040108.2 (MANE Select); coding-DNA position 2461, G replaced by C.
Protein change: p.Ala821Pro; replaces alanine 821 with proline.
Molecular consequence: missense variant.
Genome position (GRCh38, 1-based): chr14:75,047,195, C>G on the plus strand (G>C on the coding strand, the complement: MLH3 is on the minus strand). VCF-style: chr14-75047195-C-G. GRCh37 (hg19) VCF-style: chr14-75513898-C-G.
Other names: c.2461G>C, p.Ala821Pro (NM_014381.3); short protein forms A821P.
Identifiers: ClinVar variation 4108646 (VCV004108646.1).
Genomic context (GRCh38, chr14:75,047,195, plus strand): 5'-GTTCTAAACAATCTTCATCCTTGGAGAATGGAAACTTCTCTGAGTTAAGGATGTGGCTTG[C>G]TGGTTGACAACTACTATCTGAATCACTATGCTCCATAGTAGTGATTTTACAAACATCAGA-3'
Protein context (NP_001035197.1, residues 811-831): HSDSDSSCQP[Ala821Pro]SHILNSEKFP